The following is an entry in ClinVar:

ClinVar aggregate classification (germline): Uncertain significance. Review status: criteria provided, multiple submitters, no conflicts (2 of 4 stars). 2 submissions from 2 submitters: Uncertain significance (2). Last evaluated 2024-11-27.

Conditions:
Inborn genetic diseases. Identifiers: MedGen C0950123, MeSH D030342.

Allele frequency attached by ClinVar (database versions not stated): ExAC 0.00001; gnomAD exomes 0.00001 and 0.00002; gnomAD 0.00004; TOPMed 0.00005; ESP Exome Variant Server 0.00008.

Submissions (2):

Ambry Genetics
Classification: Uncertain significance for Inborn genetic diseases. Last evaluated: 2024-11-27. Review status: criteria provided, single submitter. Criteria: Ambry Variant Classification Scheme 2023. Collection method: clinical testing. Allele origin: germline.

Labcorp Genetics (formerly Invitae), Labcorp
Classification: Uncertain significance. Last evaluated: 2024-05-23. Review status: criteria provided, single submitter. Criteria: Invitae Variant Classification Sherloc (09022015). Collection method: clinical testing. Allele origin: germline.
Comment: This sequence change replaces arginine, which is basic and polar, with tryptophan, which is neutral and slightly polar, at codon 135 of the ZNF408 protein (p.Arg135Trp). This variant is present in population databases (rs367608316, gnomAD 0.004%). This variant has not been reported in the literature in individuals affected with ZNF408-related conditions. ClinVar contains an entry for this variant (Variation ID: 1004839). An algorithm developed to predict the effect of missense changes on protein structure and function (PolyPhen-2) suggests that this variant is likely to be disruptive. In summary, the available evidence is currently insufficient to determine the role of this variant in disease. Therefore, it has been classified as a Variant of Uncertain Significance.

NM_024741.3(ZNF408):c.403C>T (p.Arg135Trp)

Gene: ZNF408 (zinc finger protein 408; plus strand). Cytogenetic location: 11p11.2.
Variant type: single nucleotide variant.
Coding change: c.403C>T on transcript NM_024741.3 (MANE Select); coding-DNA position 403, C replaced by T.
Protein change: p.Arg135Trp; replaces arginine 135 with tryptophan.
Molecular consequence: missense variant.
Genome position (GRCh38, 1-based): chr11:46,702,994, C>T. VCF-style: chr11-46702994-C-T. GRCh37 (hg19) VCF-style: chr11-46724544-C-T.
Other names: c.403C>T (NM_024741.2); c.379C>T, p.Arg127Trp (NM_001184751.2); short protein forms R127W, R135W.
Identifiers: ClinVar variation 1004839 (VCV001004839.9), dbSNP rs367608316, ClinGen allele CA5966342.
Genomic context (GRCh38, chr11:46,702,994, plus strand): 5'-ACCACTTGAATAGTGAGCATCTCCTAGCTGGCTGTTACTTTGCTTTGCAGCTTGGTACAA[C>T]GGGGCAGGCTGGAGAGTGAGGGAAATGTGGCCCCAGTGCGGATCAGCGAGAGGCTTCATC-3'
Protein context (NP_079017.1, residues 125-145): QSSGWTSLVQ[Arg135Trp]GRLESEGNVA